The following is an entry in ClinVar:

ClinVar aggregate classification (germline): Uncertain significance (1 of 4 stars; one submission).

Conditions:
Cardiovascular phenotype. Identifiers: MedGen CN230736.

Allele frequency attached by ClinVar (database versions not stated): TOPMed below 0.00001.

Submission:

Ambry Genetics
Classification: Uncertain significance for Cardiovascular phenotype. Last evaluated: 2024-03-05. Review status: criteria provided, single submitter. Criteria: Ambry Variant Classification Scheme 2023. Collection method: clinical testing. Allele origin: germline.
Comment: The p.M417I variant (also known as c.1251G>C), located in coding exon 10 of the EFEMP2 gene, results from a G to C substitution at nucleotide position 1251. The methionine at codon 417 is replaced by isoleucine, an amino acid with highly similar properties. This amino acid position is conserved. In addition, this alteration is predicted to be deleterious by in silico analysis. Based on the available evidence, the clinical significance of this alteration remains unclear.

NM_016938.5(EFEMP2):c.1251G>C (p.Met417Ile)

Genes: EFEMP2 (EGF containing fibulin extracellular matrix protein 2; minus strand), MUS81 (MUS81 structure-specific endonuclease subunit; plus strand). Cytogenetic location: 11q13.1.
Variant type: single nucleotide variant.
Coding change: c.1251G>C on transcript NM_016938.5 (MANE Select); coding-DNA position 1251, G replaced by C.
Protein change: p.Met417Ile; replaces methionine 417 with isoleucine.
Molecular consequence: missense variant. On other transcripts: non-coding transcript variant (1).
Genome position (GRCh38, 1-based): chr11:65,866,999, C>G on the plus strand (G>C on the coding strand, the complement: EFEMP2 is on the minus strand). VCF-style: chr11-65866999-C-G. GRCh37 (hg19) VCF-style: chr11-65634470-C-G.
Other names: short protein forms M417I.
Identifiers: ClinVar variation 3226924 (VCV003226924.1), dbSNP rs1859860622, ClinGen allele CA381348975.